The following is an entry in ClinVar:

ClinVar aggregate classification (germline): Conflicting classifications of pathogenicity. Review status: criteria provided, conflicting classifications (1 of 4 stars). 4 submissions from 4 submitters: Uncertain significance (3); Likely benign (1). Last evaluated 2024-07-19.

Conditions:
Inborn genetic diseases. Identifiers: MedGen C0950123, MeSH D030342.
Vitreoretinopathy. Also called: Vitreoretinal degeneration. Identifiers: MedGen C0344290, MONDO:0020248, HP:0007773.

Allele frequency attached by ClinVar (database versions not stated): gnomAD exomes below 0.00001 and 0.00001; TOPMed 0.00001; gnomAD 0.00002.
gnomAD v4.1: 21 of 1,613,858 alleles (0.0013%); highest among the groups gnomAD compares: Middle Eastern, 0.033%; no homozygotes.

Submissions (4):

Labcorp Genetics (formerly Invitae), Labcorp
Classification: Uncertain significance. Last evaluated: 2024-07-19. Review status: criteria provided, single submitter. Criteria: Invitae Variant Classification Sherloc (09022015). Collection method: clinical testing. Allele origin: germline.
Comment: This sequence change replaces proline, which is neutral and non-polar, with serine, which is neutral and polar, at codon 1828 of the VCAN protein (p.Pro1828Ser). This variant is not present in population databases (gnomAD no frequency). This variant has not been reported in the literature in individuals affected with VCAN-related conditions. ClinVar contains an entry for this variant (Variation ID: 354427). An algorithm developed to predict the effect of missense changes on protein structure and function outputs the following: PolyPhen-2: "Benign". The serine amino acid residue is found in multiple mammalian species, which suggests that this missense change does not adversely affect protein function. In summary, the available evidence is currently insufficient to determine the role of this variant in disease. Therefore, it has been classified as a Variant of Uncertain Significance.

Ambry Genetics
Classification: Uncertain significance for Inborn genetic diseases. Last evaluated: 2024-03-28. Review status: criteria provided, single submitter. Criteria: Ambry Variant Classification Scheme 2023. Collection method: clinical testing. Allele origin: germline.

Blueprint Genetics
Classification: Likely benign. Last evaluated: 2023-03-29. Review status: criteria provided, single submitter. Criteria: ACMG Guidelines, 2015. Collection method: clinical testing. Allele origin: germline.

Illumina Laboratory Services, Illumina
Classification: Uncertain significance for Vitreoretinopathy. Last evaluated: 2018-01-13. Review status: criteria provided, single submitter. Criteria: ICSL Variant Classification Criteria 13 December 2019. Collection method: clinical testing. Allele origin: germline.

NM_004385.5(VCAN):c.5482C>T (p.Pro1828Ser)

Genes: VCAN-AS1 (VCAN antisense RNA 1; minus strand), VCAN (versican; plus strand). Cytogenetic location: 5q14.3.
Variant type: single nucleotide variant.
Coding change: c.5482C>T on transcript NM_004385.5 (MANE Select); coding-DNA position 5482, C replaced by T.
Protein change: p.Pro1828Ser; replaces proline 1828 with serine.
Molecular consequence: missense variant. On other transcripts: intron variant (2).
Genome position (GRCh38, 1-based): chr5:83,538,485, C>T. VCF-style: chr5-83538485-C-T. GRCh37 (hg19) VCF-style: chr5-82834304-C-T.
Other names: c.2521C>T, p.Pro841Ser (NM_001164097.2); c.4004-7052C>T (NM_001164098.2); c.1043-7052C>T (NM_001126336.3); short protein forms P1828S, P841S.
Identifiers: ClinVar variation 354427 (VCV000354427.12), dbSNP rs886060823, ClinGen allele CA10620904.